The following is an entry in ClinVar:

NM_014159.7(SETD2):c.1669T>C (p.Ser557Pro)

Gene: SETD2 (SET domain containing 2, histone lysine methyltransferase; minus strand). Cytogenetic location: 3p21.31.
Variant type: single nucleotide variant.
Coding change: c.1669T>C on transcript NM_014159.7 (MANE Select); coding-DNA position 1669, T replaced by C.
Protein change: p.Ser557Pro; replaces serine 557 with proline.
Molecular consequence: missense variant. On other transcripts: non-coding transcript variant (1).
Genome position (GRCh38, 1-based): chr3:47,122,967, A>G on the plus strand (T>C on the coding strand, the complement: SETD2 is on the minus strand). VCF-style: chr3-47122967-A-G. GRCh37 (hg19) VCF-style: chr3-47164457-A-G.
Other names: c.1537T>C, p.Ser513Pro (NM_001349370.3); c.1669T>C (NM_014159.6); short protein forms S513P, S557P.
Identifiers: ClinVar variation 1020533 (VCV001020533.6), dbSNP rs745846357, ClinGen allele CA2363648.

ClinVar aggregate classification (germline): Conflicting classifications of pathogenicity. Review status: criteria provided, conflicting classifications (1 of 4 stars). 2 submissions from 2 submitters: Uncertain significance (1); Likely benign (1). Last evaluated 2025-01-06.

Conditions:
Inborn genetic diseases. Identifiers: MedGen C0950123, MeSH D030342.
Luscan-Lumish syndrome. Identifiers: Orphanet 597738, MedGen C4085873, MONDO:0014791, OMIM 616831.

Allele frequency attached by ClinVar (database versions not stated): gnomAD 0.00003; TOPMed 0.00003.
gnomAD v4.1: 36 of 1,613,868 alleles (0.0022%); highest among the groups gnomAD compares: Admixed American, 0.005%; no homozygotes.

Submissions (2):

Labcorp Genetics (formerly Invitae), Labcorp
Classification: Uncertain significance for Luscan-Lumish syndrome. Last evaluated: 2025-01-06. Review status: criteria provided, single submitter. Criteria: Invitae Variant Classification Sherloc (09022015). Collection method: clinical testing. Allele origin: germline.
Comment: This sequence change replaces serine, which is neutral and polar, with proline, which is neutral and non-polar, at codon 557 of the SETD2 protein (p.Ser557Pro). This variant is present in population databases (rs745846357, gnomAD 0.006%). This variant has not been reported in the literature in individuals affected with SETD2-related conditions. ClinVar contains an entry for this variant (Variation ID: 1020533). Invitae Evidence Modeling of protein sequence and biophysical properties (such as structural, functional, and spatial information, amino acid conservation, physicochemical variation, residue mobility, and thermodynamic stability) indicates that this missense variant is not expected to disrupt SETD2 protein function with a negative predictive value of 80%. In summary, the available evidence is currently insufficient to determine the role of this variant in disease. Therefore, it has been classified as a Variant of Uncertain Significance.

Ambry Genetics
Classification: Likely benign for Inborn genetic diseases. Last evaluated: 2023-10-10. Review status: criteria provided, single submitter. Criteria: Ambry Variant Classification Scheme 2023. Collection method: clinical testing. Allele origin: germline.